The following is an entry in ClinVar:

NM_004329.3(BMPR1A):c.676-5T>C

Gene: BMPR1A (bone morphogenetic protein receptor type 1A; plus strand). Cytogenetic location: 10q23.2.
Variant type: single nucleotide variant.
Coding change: c.676-5T>C on transcript NM_004329.3 (MANE Select); 5 bases into the intron before coding-DNA position 676, T replaced by C.
Molecular consequence: intron variant.
Genome position (GRCh38, 1-based): chr10:86,917,129, T>C. VCF-style: chr10-86917129-T-C. GRCh37 (hg19) VCF-style: chr10-88676886-T-C.
Identifiers: ClinVar variation 136052 (VCV000136052.34), dbSNP rs200537780, ClinGen allele CA169033.

ClinVar aggregate classification (germline): Benign/Likely benign. Review status: criteria provided, multiple submitters, no conflicts (2 of 4 stars). 12 submissions from 12 submitters: Benign (7); Likely benign (3). 2 of the submissions do not count toward it. Last evaluated 2026-02-04.

Conditions:
Juvenile polyposis syndrome (JPS). Identifiers: Orphanet 2929, MedGen C0345893, MONDO:0017380, OMIM 174900.
Hereditary cancer-predisposing syndrome. Also called: Tumor predisposition; Hereditary neoplastic syndrome; Neoplastic Syndromes, Hereditary; Hereditary Cancer Syndrome. Identifiers: Orphanet 140162, MedGen C0027672, MeSH D009386, MONDO:0015356.
Polyposis syndrome, hereditary mixed, 2. Identifiers: Orphanet 157794, MedGen C1864730, MONDO:0012405, OMIM 610069.
Generalized juvenile polyposis/juvenile polyposis coli. Also called: Juvenile polyposis coli. Identifiers: Orphanet 329971, MedGen C1868081, MONDO:0008276.

Allele frequency attached by ClinVar (database versions not stated): 1000 Genomes Project 30x 0.00562; 1000 Genomes Project 0.00599; gnomAD 0.00001 and 0.00076; TOPMed 0.00013; gnomAD exomes 0.00107 and 0.00222; ExAC 0.00259.
gnomAD v4.1: 1,697 of 1,613,968 alleles (0.11%); highest among the groups gnomAD compares: South Asian, 1.7%; 27 homozygotes.

Submissions (12):

Labcorp Genetics (formerly Invitae), Labcorp
Classification: Benign for Juvenile polyposis syndrome. Last evaluated: 2026-02-04. Review status: criteria provided, single submitter. Criteria: Invitae Variant Classification Sherloc (09022015). Collection method: clinical testing. Allele origin: germline.

Center for Genomic Medicine, Rigshospitalet, Copenhagen University Hospital
Classification: Benign. Last evaluated: 2025-03-04. Review status: criteria provided, single submitter. Criteria: ACMG Guidelines, 2015. Collection method: clinical testing. Allele origin: germline.

Blueprint Genetics
Classification: Likely benign. Last evaluated: 2024-11-27. Review status: criteria provided, single submitter. Criteria: ACMG Guidelines, 2015. Collection method: clinical testing. Allele origin: germline.

Myriad Genetics, Inc.
Classification: Benign for Juvenile polyposis syndrome. Last evaluated: 2024-08-02. Review status: criteria provided, single submitter. Criteria: Myriad Autosomal Dominant, Autosomal Recessive and X-Linked Classification Criteria (2023). Collection method: clinical testing. Allele origin: unknown.
Comment: This variant is considered benign. This variant is intronic and is not expected to impact mRNA splicing. Homozygosity has been confirmed in one or more individuals. As homozygosity for pathogenic variants in this gene is generally assumed to result in embryonic lethality, this variant is unlikely to be pathogenic.

KCCC/NGS Laboratory, Kuwait Cancer Control Center
Classification: Benign for Juvenile polyposis syndrome. Last evaluated: 2023-07-07. Review status: criteria provided, single submitter. Criteria: ACMG Guidelines, 2015. Collection method: clinical testing. Allele origin: germline. Affected: yes.

Ambry Genetics
Classification: Likely benign for Hereditary cancer-predisposing syndrome. Last evaluated: 2019-02-04. Review status: criteria provided, single submitter. Criteria: Ambry Variant Classification Scheme 2023. Collection method: clinical testing. Allele origin: germline.

Illumina Laboratory Services, Illumina
Classification: Benign for Juvenile polyposis syndrome. Last evaluated: 2018-01-12. Review status: criteria provided, single submitter. Criteria: ICSL Variant Classification Criteria 13 December 2019. Collection method: clinical testing. Allele origin: germline.
Comment: This variant was observed in the ICSL laboratory as part of a predisposition screen in an ostensibly healthy population. It had not been previously curated by ICSL or reported in the Human Gene Mutation Database (HGMD: prior to June 1st, 2018), and was therefore a candidate for classification through an automated scoring system. Utilizing variant allele frequency, disease prevalence and penetrance estimates, and inheritance mode, an automated score was calculated to assess if this variant is too frequent to cause the disease. Based on the score and internal cut-off values, a variant classified as benign is not then subjected to further curation. The score for this variant resulted in a classification of benign for this disease.

Color Diagnostics, LLC DBA Color Health
Classification: Benign for Hereditary cancer-predisposing syndrome. Last evaluated: 2016-05-16. Review status: criteria provided, single submitter. Criteria: ACMG Guidelines, 2015. Collection method: clinical testing. Allele origin: germline.

GeneDx
Classification: Benign. Last evaluated: 2015-03-03. Review status: criteria provided, single submitter. Criteria: GeneDx Variant Classification Process June 2021. Collection method: clinical testing. Allele origin: germline. Affected: yes.

Breakthrough Genomics
Classification: Likely benign. Review status: criteria provided, single submitter. Criteria: ACMG Guidelines, 2015. Collection method: not provided. Allele origin: germline. Inheritance: Autosomal dominant inheritance. Affected: yes.

Department of Pathology and Laboratory Medicine, Sinai Health System
Classification: Benign for Polyposis syndrome, hereditary mixed, 2. Review status: no assertion criteria provided. Collection method: clinical testing. Allele origin: unknown. Affected: yes. Study: The Canadian Open Genetics Repository (COGR). Not counted in ClinVar's aggregate classification.
Comment: The BMPR1A c.676-5T>C variant was not identified in the literature nor was it identified in the LOVD 3.0 database. The variant was identified in dbSNP (rs200537780) as â€šÃ„Ãºwith likely benign alleleâ€šÃ„Ã¹ and ClinVar (interpreted as "likely benign" by Ambry Genetics and 2 others and "benign" by Color and 1 other). The variant was identified in control databases in 567 of 276,986 chromosomes (8 homozygous) at a frequency of 0.002 increasing the likelihood this could be a low frequency benign variant (Genome Aggregation Database Feb 27, 2017). The variant was observed in the following populations: Other in 11 of 6458 chromosomes (freq: 0.002), European in 3 of 126,514 chromosomes (freq: 0.00002), and South Asian in 553 of 30,768 chromosomes (freq: 0.02). The variant was not observed in the African, Latino, Ashkenazi Jewish, East Asian and Finnish populations. The c.676-5T>C variant is located at a non-conserved nucleotide in the 3' splice region but does not affect the invariant -1 and -2 positions. However, positions -3 and -5 to -12 are part of the splicing consensus sequence and variants involving these positions sometimes affect splicing. In silico or computational prediction software programs (SpliceSiteFinder, MaxEntScan, NNSPLICE, GeneSplicer) do not predict a difference in splicing. In summary, based on the above information this variant meets our laboratory's criteria to be classified as benign.

Mayo Clinic Laboratories, Mayo Clinic
Classification: Likely benign. Review status: no assertion criteria provided. Collection method: clinical testing. Allele origin: unknown. Not counted in ClinVar's aggregate classification.